The following is an entry in ClinVar:

Conditions:
Breast-ovarian cancer, familial, susceptibility to, 1 (BROVCA1). Also called: BRCA1 Hereditary Breast and Ovarian Cancer; OVARIAN CANCER, SUSCEPTIBILITY TO. Identifiers: Orphanet 145, MedGen C2676676, MONDO:0011450, OMIM 604370. Disease mechanism: loss of function.

Submission:

Brotman Baty Institute, University of Washington
No classification provided (evidence only). Condition: Breast-ovarian cancer, familial 1. Review status: no classification provided. Collection method: in vitro. Allele origin: not applicable. Functional consequence: functionally_normal.
ClinVar note: "not provided" was previously submitted as the classification for the variant. However, the classification appeared to be based only on an observation of functional data so it was converted to no classification on 2025-07-30.

NM_007294.4(BRCA1):c.5146T>G (p.Tyr1716Asp)

Gene: BRCA1 (BRCA1 DNA repair associated; minus strand). Cytogenetic location: 17q21.31.
Variant type: single nucleotide variant.
Coding change: c.5146T>G on transcript NM_007294.4 (MANE Select); coding-DNA position 5146, T replaced by G.
Protein change: p.Tyr1716Asp; replaces tyrosine 1716 with aspartic acid.
Molecular consequence: missense variant. On other transcripts: non-coding transcript variant (1).
Genome position (GRCh38, 1-based): chr17:43,063,880, A>C on the plus strand (T>G on the coding strand, the complement: BRCA1 is on the minus strand). VCF-style: chr17-43063880-A-C. GRCh37 (hg19) VCF-style: chr17-41215897-A-C.
Other names: c.4933T>G, p.Tyr1645Asp (NM_001407571.1, NM_001407894.1, NM_001407895.1 and 12 more transcripts); c.5212T>G, p.Tyr1738Asp (NM_001407581.1, NM_001407582.1); c.5209T>G, p.Tyr1737Asp (NM_001407583.1, NM_001407585.1, NM_001407587.1 and 1 more transcripts); c.5206T>G, p.Tyr1736Asp (NM_001407590.1, NM_001407591.1); c.5146T>G, p.Tyr1716Asp (NM_001407593.1, NM_001407594.1, NM_001407596.1 and 7 more transcripts); c.5143T>G, p.Tyr1715Asp (NM_001407615.1, NM_001407616.1, NM_001407617.1 and 17 more transcripts); c.5140T>G, p.Tyr1714Asp (NM_001407634.1, NM_001407635.1, NM_001407636.1 and 14 more transcripts); c.5065T>G, p.Tyr1689Asp (NM_001407657.1, NM_001407658.1, NM_001407656.1); and 71 more; short protein forms Y1716D, Y612D, Y1669D, Y1737D, Y1644D, Y1645D, Y1647D, Y1668D.
Identifiers: ClinVar variation 867699 (VCV000867699.3), dbSNP rs1597819932, ClinGen allele CA10591253.
Genomic context (GRCh38, chr17:43,063,880, plus strand): 5'-AAATGCAATTCTGAGGTGTTAAAGGGAGGAGGGGAGAAATAGTATTATACTTACAGAAAT[A>C]GCTAACTACCCATTTTCCTCCCGCAATTCCTAGAAAATATTTCAGTGTCCGTTCACACAC-3'
Protein context (NP_009225.1, residues 1706-1726): GIAGGKWVVS[Tyr1716Asp]FWVTQSIKER